The following is an entry in ClinVar:

NM_001378454.1(ALMS1):c.187C>T (p.Gln63Ter)

Gene: ALMS1 (ALMS1 centrosome and basal body associated protein; plus strand). Cytogenetic location: 2p13.1.
Variant type: single nucleotide variant.
Coding change: c.187C>T on transcript NM_001378454.1 (MANE Select); coding-DNA position 187, C replaced by T.
Protein change: p.Gln63Ter; replaces glutamine 63 with a stop codon.
Molecular consequence: nonsense.
Genome position (GRCh38, 1-based): chr2:73,386,055, C>T. VCF-style: chr2-73386055-C-T. GRCh37 (hg19) VCF-style: chr2-73613183-C-T.
Other names: c.190C>T, p.Gln64Ter (NM_015120.4); short protein forms Q63*, Q64*.
Identifiers: ClinVar variation 5002329 (VCV005002329.1).

ClinVar aggregate classification (germline): Uncertain significance (1 of 4 stars; one submission).

Conditions:
ALMS1-related disorder. Also called: ALMS1-related condition.

gnomAD v4.1: 2 of 1,586,314 alleles (0.00013%); highest among the groups gnomAD compares: Non-Finnish European, 0.000086%; no homozygotes.

Submission:

PreventionGenetics, part of Exact Sciences
Classification: Uncertain significance for ALMS1-related condition. Last evaluated: 2025-06-02. Review status: criteria provided, single submitter. Criteria: ACMG Guidelines, 2015. Collection method: clinical testing. Allele origin: germline.
Comment: The ALMS1 c.190C>T variant is predicted to result in the amino acid substitution p.His64Tyr. To our knowledge, this variant has not been reported in the literature or in a large population database (gnomAD), indicating this variant is rare. At this time, the clinical significance of this variant is uncertain due to the absence of conclusive functional and genetic evidence.